The following is an entry in ClinVar:

ClinVar aggregate classification (germline): Uncertain significance (1 of 4 stars; one submission).

Conditions:
Inborn genetic diseases. Identifiers: MedGen C0950123, MeSH D030342.

Submission:

Ambry Genetics
Classification: Uncertain significance for Inborn genetic diseases. Last evaluated: 2026-04-05. Review status: criteria provided, single submitter. Criteria: Ambry Variant Classification Scheme 2023. Collection method: clinical testing. Allele origin: germline.
Comment: The p.Q1198E variant (also known as c.3592C>G), located in coding exon 36 of the FANCA gene, results from a C to G substitution at nucleotide position 3592. The glutamine at codon 1198 is replaced by glutamic acid, an amino acid with highly similar properties. This amino acid position is conserved. In addition, this alteration is predicted to be tolerated by in silico analysis. Based on the available evidence, the clinical significance of this variant remains unclear.

NM_000135.4(FANCA):c.3592C>G (p.Gln1198Glu)

Gene: FANCA (FA complementation group A; minus strand). Cytogenetic location: 16q24.3.
Variant type: single nucleotide variant.
Coding change: c.3592C>G on transcript NM_000135.4 (MANE Select); coding-DNA position 3592, C replaced by G.
Protein change: p.Gln1198Glu; replaces glutamine 1198 with glutamic acid.
Molecular consequence: missense variant.
Genome position (GRCh38, 1-based): chr16:89,744,993, G>C on the plus strand (C>G on the coding strand, the complement: FANCA is on the minus strand). VCF-style: chr16-89744993-G-C. GRCh37 (hg19) VCF-style: chr16-89811401-G-C.
Other names: c.3592C>G, p.Gln1198Glu (NM_001286167.3); short protein forms Q1198E.
Identifiers: ClinVar variation 4870819 (VCV004870819.1).